The following is an entry in ClinVar:

ClinVar aggregate classification (germline): Benign/Likely benign. Review status: criteria provided, multiple submitters, no conflicts (2 of 4 stars). 8 submissions from 8 submitters: Benign (3); Likely benign (4). 1 of the submissions does not count toward it. Last evaluated 2026-02-03.

Conditions:
Hereditary cancer-predisposing syndrome. Also called: Hereditary Cancer Syndrome; Neoplastic Syndromes, Hereditary; Hereditary neoplastic syndrome; Tumor predisposition. Identifiers: Orphanet 140162, MedGen C0027672, MeSH D009386, MONDO:0015356.
POLD1-related polyposis and colorectal cancer syndrome (CRCS10). Also called: COLORECTAL CANCER, SUSCEPTIBILITY TO, ON CHROMOSOME 19q; Colorectal cancer 10; Colorectal cancer, susceptibility to, 10. Identifiers: Orphanet 220460, MedGen C2675481, MONDO:0012953, OMIM 612591.
POLD1-related disorder. Also called: POLD1-related condition; POLD1-related disorders.

Allele frequency attached by ClinVar (database versions not stated): gnomAD exomes 0.00005 and 0.00016; gnomAD 0.00006 and 0.00007; ExAC 0.00012; TOPMed 0.00014; 1000 Genomes Project 30x 0.00016; 1000 Genomes Project 0.00020.
gnomAD v4.1: 83 of 1,604,494 alleles (0.0052%); highest among the groups gnomAD compares: Admixed American, 0.081%; no homozygotes.

Submissions (8):

Labcorp Genetics (formerly Invitae), Labcorp
Classification: Benign for POLD1-related polyposis and colorectal cancer syndrome. Last evaluated: 2026-02-03. Review status: criteria provided, single submitter. Criteria: Invitae Variant Classification Sherloc (09022015). Collection method: clinical testing. Allele origin: germline.

Center for Genomic Medicine, Rigshospitalet, Copenhagen University Hospital
Classification: Likely benign. Last evaluated: 2025-03-04. Review status: criteria provided, single submitter. Criteria: ACMG Guidelines, 2015. Collection method: clinical testing. Allele origin: germline.

Blueprint Genetics
Classification: Likely benign. Last evaluated: 2024-09-10. Review status: criteria provided, single submitter. Criteria: ACMG Guidelines, 2015. Collection method: clinical testing. Allele origin: germline.

Sema4
Classification: Benign for Hereditary cancer-predisposing syndrome. Last evaluated: 2021-04-12. Review status: criteria provided, single submitter. Criteria: Sema4 Curation Guidelines. Collection method: curation. Allele origin: germline.

GeneDx
Classification: Likely benign. Last evaluated: 2020-12-04. Review status: criteria provided, single submitter. Criteria: GeneDx Variant Classification Process June 2021. Collection method: clinical testing. Allele origin: germline. Affected: yes.

Quest Diagnostics Nichols Institute San Juan Capistrano
Classification: Benign. Last evaluated: 2017-11-02. Review status: criteria provided, single submitter. Criteria: Quest Diagnostics criteria. Collection method: clinical testing. Allele origin: germline.

Ambry Genetics
Classification: Likely benign for Hereditary cancer-predisposing syndrome. Last evaluated: 2015-07-08. Review status: criteria provided, single submitter. Criteria: Ambry Variant Classification Scheme 2023. Collection method: clinical testing. Allele origin: germline.

PreventionGenetics, part of Exact Sciences
Classification: Likely benign for POLD1-related condition. Last evaluated: 2019-04-16. Review status: no assertion criteria provided. Collection method: clinical testing. Allele origin: germline. Not counted in ClinVar's aggregate classification.
Comment: This variant is classified as likely benign based on ACMG/AMP sequence variant interpretation guidelines (Richards et al. 2015 PMID: 25741868, with internal and published modifications).

NM_002691.4(POLD1):c.651G>A (p.Pro217=)

Gene: POLD1 (DNA polymerase delta 1, catalytic subunit; plus strand). Cytogenetic location: 19q13.33.
Variant type: single nucleotide variant.
Coding change: c.651G>A on transcript NM_002691.4 (MANE Select); coding-DNA position 651, G replaced by A.
Protein change: p.Pro217=; no amino-acid change (proline 217 retained).
Molecular consequence: synonymous variant. On other transcripts: non-coding transcript variant (1).
Genome position (GRCh38, 1-based): chr19:50,402,266, G>A. VCF-style: chr19-50402266-G-A. GRCh37 (hg19) VCF-style: chr19-50905523-G-A.
Other names: c.651G>A, p.Pro217= (NM_001256849.1, NM_001308632.1).
Identifiers: ClinVar variation 239364 (VCV000239364.27), dbSNP rs199622672, ClinGen allele CA9595849.